The following is an entry in ClinVar:

NM_182961.4(SYNE1):c.22825-3C>A

Gene: SYNE1 (spectrin repeat containing nuclear envelope protein 1; minus strand). Cytogenetic location: 6q25.2.
Variant type: single nucleotide variant.
Coding change: c.22825-3C>A on transcript NM_182961.4 (MANE Select); 3 bases into the intron before coding-DNA position 22825, C replaced by A.
Molecular consequence: intron variant.
Genome position (GRCh38, 1-based): chr6:152,206,365, G>T on the plus strand (C>A on the coding strand, the complement: SYNE1 is on the minus strand). VCF-style: chr6-152206365-G-T. GRCh37 (hg19) VCF-style: chr6-152527500-G-T.
Other names: c.22612-3C>A (NM_033071.5).
Identifiers: ClinVar variation 1378691 (VCV001378691.6), dbSNP rs2153398590, ClinGen allele CA2573140665.

ClinVar aggregate classification (germline): Uncertain significance (1 of 4 stars; one submission).

Conditions:
Emery-Dreifuss muscular dystrophy 4, autosomal dominant (EDMD4). Also called: EMERY-DREIFUSS MUSCULAR DYSTROPHY 4 WITH VARIABLE FEATURES. Identifiers: Orphanet 261, MedGen C2751807, MONDO:0013071, OMIM 612998.
Autosomal recessive ataxia, Beauce type. Also called: SYNE1-Related Autosomal Recessive Cerebellar Ataxia; Spinocerebellar ataxia, autosomal recessive 8; ATAXIA, RECESSIVE, OF BEAUCE; SYNE1 Deficiency. Identifiers: Orphanet 88644, MedGen C1853116, MONDO:0012549, OMIM 610743.

Submission:

Labcorp Genetics (formerly Invitae), Labcorp
Classification: Uncertain significance for Emery-Dreifuss muscular dystrophy 4, autosomal dominant; Autosomal recessive ataxia, Beauce type. Last evaluated: 2024-12-02. Review status: criteria provided, single submitter. Criteria: Invitae Variant Classification Sherloc (09022015). Collection method: clinical testing. Allele origin: germline.
Comment: This sequence change falls in intron 124 of the SYNE1 gene. It does not directly change the encoded amino acid sequence of the SYNE1 protein. It affects a nucleotide within the consensus splice site. This variant is not present in population databases (gnomAD no frequency). This variant has not been reported in the literature in individuals affected with SYNE1-related conditions. ClinVar contains an entry for this variant (Variation ID: 1378691). Variants that disrupt the consensus splice site are a relatively common cause of aberrant splicing (PMID: 17576681, 9536098). Algorithms developed to predict the effect of sequence changes on RNA splicing suggest that this variant may disrupt the consensus splice site. In summary, the available evidence is currently insufficient to determine the role of this variant in disease. Therefore, it has been classified as a Variant of Uncertain Significance.

Literature cited by the submitters: PubMed 17576681; PubMed 9536098.